The following is an entry in ClinVar:

ClinVar aggregate classification (germline): Uncertain significance (1 of 4 stars; one submission).

Submission:

GeneDx
Classification: Uncertain significance. Last evaluated: 2020-09-22. Review status: criteria provided, single submitter. Criteria: GeneDx Variant Classification Process June 2021. Collection method: clinical testing. Allele origin: germline. Affected: yes.
Comment: Not observed in large population cohorts (Lek et al., 2016); In silico analysis supports that this missense variant has a deleterious effect on protein structure/function; Has not been previously published as pathogenic or benign to our knowledge

NM_006231.4(POLE):c.2357G>A (p.Gly786Asp)

Gene: POLE (DNA polymerase epsilon, catalytic subunit; minus strand). Cytogenetic location: 12q24.33.
Variant type: single nucleotide variant.
Coding change: c.2357G>A on transcript NM_006231.4 (MANE Select); coding-DNA position 2357, G replaced by A.
Protein change: p.Gly786Asp; replaces glycine 786 with aspartic acid.
Molecular consequence: missense variant.
Genome position (GRCh38, 1-based): chr12:132,665,413, C>T on the plus strand (G>A on the coding strand, the complement: POLE is on the minus strand). VCF-style: chr12-132665413-C-T. GRCh37 (hg19) VCF-style: chr12-133241999-C-T.
Other names: short protein forms G786D.
Identifiers: ClinVar variation 1313210 (VCV001313210.2), dbSNP rs2135962038, ClinGen allele CA387397750.
Genomic context (GRCh38, chr12:132,665,413, plus strand): 5'-AGCTGCAGCGAGTCATACAGCACCTCCATGTTCTTGCAGCGCTTCACCTCAGCCGCGTCG[C>T]CCACCTCCACGGCCGCCGAGAGCTTCTTTTTCCACACCTGAGAAGCACATGAACATGGAG-3'
Protein context (NP_006222.2, residues 776-796): KKKLSAAVEV[Gly786Asp]DAAEVKRCKN